The following is an entry in ClinVar:

NM_199420.4(POLQ):c.285G>T (p.Trp95Cys)

Gene: POLQ (DNA polymerase theta; minus strand). Cytogenetic location: 3q13.33.
Variant type: single nucleotide variant.
Coding change: c.285G>T on transcript NM_199420.4 (MANE Select); coding-DNA position 285, G replaced by T.
Protein change: p.Trp95Cys; replaces tryptophan 95 with cysteine.
Molecular consequence: missense variant.
Genome position (GRCh38, 1-based): chr3:121,544,785, C>A on the plus strand (G>T on the coding strand, the complement: POLQ is on the minus strand). VCF-style: chr3-121544785-C-A. GRCh37 (hg19) VCF-style: chr3-121263632-C-A.
Other names: short protein forms W95C.
Identifiers: ClinVar variation 1796942 (VCV001796942.2), dbSNP rs2546827906, ClinGen allele CA354094479.

ClinVar aggregate classification (germline): Uncertain significance (1 of 4 stars; one submission).

gnomAD v4.1: 5 of 1,613,604 alleles (0.00031%); highest among the groups gnomAD compares: Non-Finnish European, 0.00034%; no homozygotes.

Submission:

Ambry Genetics
Classification: Uncertain significance. Last evaluated: 2021-09-12. Review status: criteria provided, single submitter. Criteria: Ambry Variant Classification Scheme 2023. Collection method: clinical testing. Allele origin: germline.
Comment: The p.W95C variant (also known as c.285G>T), located in coding exon 2 of the POLQ gene, results from a G to T substitution at nucleotide position 285. The tryptophan at codon 95 is replaced by cysteine, an amino acid with highly dissimilar properties. This amino acid position is conserved. In addition, the in silico prediction for this alteration is inconclusive. Since supporting evidence is limited at this time, the clinical significance of this alteration remains unclear.